The following is an entry in ClinVar:

NM_000540.3(RYR1):c.5154C>G (p.His1718Gln)

Gene: RYR1 (ryanodine receptor 1; plus strand). Cytogenetic location: 19q13.2.
Variant type: single nucleotide variant.
Coding change: c.5154C>G on transcript NM_000540.3 (MANE Select); coding-DNA position 5154, C replaced by G.
Protein change: p.His1718Gln; replaces histidine 1718 with glutamine.
Molecular consequence: missense variant.
Genome position (GRCh38, 1-based): chr19:38,485,809, C>G. VCF-style: chr19-38485809-C-G. GRCh37 (hg19) VCF-style: chr19-38976449-C-G.
Other names: c.5154C>G, p.His1718Gln (NM_001042723.2); short protein forms H1718Q.
Identifiers: ClinVar variation 4802120 (VCV004802120.1).
Genomic context (GRCh38, chr19:38,485,809, plus strand): 5'-GGACGCGCACCTGCCAGGCCCACTGCGCGCAGGCTACTATGACCTCCTCATCAGCATCCA[C>G]CTCGAAAGTGCCTGCCGCAGCCGCCGCTCCATGCTCTCTGAATACATCGTGCCCCTCACG-3'
Protein context (NP_000531.2, residues 1708-1728): AGYYDLLISI[His1718Gln]LESACRSRRS

ClinVar aggregate classification (germline): Uncertain significance (1 of 4 stars; one submission).

Conditions:
RYR1-related disorder. Also called: RYR1-related condition; RYR1-related disorders. Identifiers: MedGen CN239331.

Submission:

Labcorp Genetics (formerly Invitae), Labcorp
Classification: Uncertain significance for RYR1-related disorder. Last evaluated: 2025-03-31. Review status: criteria provided, single submitter. Criteria: Invitae Variant Classification Sherloc (09022015). Collection method: clinical testing. Allele origin: germline.
Comment: This sequence change replaces histidine, which is basic and polar, with glutamine, which is neutral and polar, at codon 1718 of the RYR1 protein (p.His1718Gln). This variant is not present in population databases (gnomAD no frequency). This variant has not been reported in the literature in individuals affected with RYR1-related conditions. Invitae Evidence Modeling of protein sequence and biophysical properties (such as structural, functional, and spatial information, amino acid conservation, physicochemical variation, residue mobility, and thermodynamic stability) indicates that this missense variant is expected to disrupt RYR1 protein function with a positive predictive value of 80%. In summary, the available evidence is currently insufficient to determine the role of this variant in disease. Therefore, it has been classified as a Variant of Uncertain Significance.